The following is an entry in ClinVar:

NM_001127222.2(CACNA1A):c.3053G>A (p.Arg1018Gln)

Gene: CACNA1A (calcium voltage-gated channel subunit alpha1 A; minus strand). Cytogenetic location: 19p13.13.
Variant type: single nucleotide variant.
Coding change: c.3053G>A on transcript NM_001127222.2 (MANE Select); coding-DNA position 3053, G replaced by A.
Protein change: p.Arg1018Gln; replaces arginine 1018 with glutamine.
Molecular consequence: missense variant.
Genome position (GRCh38, 1-based): chr19:13,298,580, C>T on the plus strand (G>A on the coding strand, the complement: CACNA1A is on the minus strand). VCF-style: chr19-13298580-C-T. GRCh37 (hg19) VCF-style: chr19-13409394-C-T.
Other names: c.3065G>A, p.Arg1022Gln (NM_000068.4, NM_023035.3); c.3056G>A, p.Arg1019Gln (NM_001127221.2, NM_001174080.2); short protein forms R1018Q, R1022Q, R1019Q.
Identifiers: ClinVar variation 659726 (VCV000659726.9), dbSNP rs762288499, ClinGen allele CA404342173.

ClinVar aggregate classification (germline): Uncertain significance (1 of 4 stars; one submission).

Conditions:
Developmental and epileptic encephalopathy, 42 (DEE42A). Also called: Epileptic encephalopathy, early infantile, 42; DEVELOPMENTAL AND EPILEPTIC ENCEPHALOPATHY 42A; EPILEPTIC ENCEPHALOPATHY, EARLY INFANTILE, 42A. Identifiers: MedGen C4310716, MONDO:0014917, OMIM 617106.
Episodic ataxia type 2 (EA2). Also called: CEREBELLAR ATAXIA, PAROXYSMAL, ACETAZOLAMIDE-RESPONSIVE; CEREBELLOPATHY, HEREDITARY PAROXYSMAL; EPISODIC ATAXIA, NYSTAGMUS-ASSOCIATED; ATAXIA, EPISODIC, WITH NYSTAGMUS; ATAXIA, FAMILIAL PAROXYSMAL; ACETAZOLAMIDE-RESPONSIVE HEREDITARY PAROXYSMAL CEREBELLAR ATAXIA. Identifiers: Orphanet 97, MedGen C1720416, MONDO:0007163, OMIM 108500.

Allele frequency attached by ClinVar (database versions not stated): TOPMed 0.00001.

Submission:

Labcorp Genetics (formerly Invitae), Labcorp
Classification: Uncertain significance for Developmental and epileptic encephalopathy, 42; Episodic ataxia type 2. Last evaluated: 2024-07-06. Review status: criteria provided, single submitter. Criteria: Invitae Variant Classification Sherloc (09022015). Collection method: clinical testing. Allele origin: germline.
Comment: This sequence change replaces arginine, which is basic and polar, with glutamine, which is neutral and polar, at codon 1019 of the CACNA1A protein (p.Arg1019Gln). This variant is not present in population databases (gnomAD no frequency). This variant has not been reported in the literature in individuals affected with CACNA1A-related conditions. ClinVar contains an entry for this variant (Variation ID: 659726). Advanced modeling of protein sequence and biophysical properties (such as structural, functional, and spatial information, amino acid conservation, physicochemical variation, residue mobility, and thermodynamic stability) performed at Invitae indicates that this missense variant is not expected to disrupt CACNA1A protein function with a negative predictive value of 95%. In summary, the available evidence is currently insufficient to determine the role of this variant in disease. Therefore, it has been classified as a Variant of Uncertain Significance.